The following is an entry in ClinVar:

ClinVar aggregate classification (germline): Uncertain significance. Review status: criteria provided, multiple submitters, no conflicts (2 of 4 stars). 2 submissions from 2 submitters: Uncertain significance (2). Last evaluated 2024-02-15.

Conditions:
Hereditary sensory and autonomic neuropathy with spastic paraplegia (HSNSP). Identifiers: Orphanet 139578, MedGen C1850395, MONDO:0009748, OMIM 256840.

Allele frequency attached by ClinVar (database versions not stated): ExAC 0.00005; gnomAD exomes 0.00005 and 0.00008; gnomAD 0.00010 and 0.00011; TOPMed 0.00014; 1000 Genomes Project 30x 0.00016; 1000 Genomes Project 0.00020.
gnomAD v4.1: 84 of 1,613,924 alleles (0.0052%); highest among the groups gnomAD compares: African/African-American, 0.048%; no homozygotes.

Submissions (2):

ARUP Laboratories, Molecular Genetics and Genomics, ARUP Laboratories
Classification: Uncertain significance for Hereditary sensory and autonomic neuropathy with spastic paraplegia. Last evaluated: 2024-02-15. Review status: criteria provided, single submitter. Criteria: ARUP Molecular Germline Variant Investigation Process 2024. Collection method: clinical testing. Allele origin: germline.
Comment: The CCT5 c.531-3C>T variant (rs555534209), to our knowledge, is not reported in the medical literature but is reported in ClinVar (Variation ID: 1403452). This variant is found in the general population with an overall allele frequency of 0.008% (21/251334 alleles) in the Genome Aggregation Database (v2.1.1). This is an intronic variant and computational analyses (Alamut Visual Plus v.1.5.1) predict that this variant does not alter splicing. However, since this variant is located within the minimal splice region, the clinical significance of this variant is uncertain at this time.

Labcorp Genetics (formerly Invitae), Labcorp
Classification: Uncertain significance for Hereditary sensory and autonomic neuropathy with spastic paraplegia. Last evaluated: 2023-10-06. Review status: criteria provided, single submitter. Criteria: Invitae Variant Classification Sherloc (09022015). Collection method: clinical testing. Allele origin: germline.
Comment: This sequence change falls in intron 4 of the CCT5 gene. It does not directly change the encoded amino acid sequence of the CCT5 protein. It affects a nucleotide within the consensus splice site. This variant is present in population databases (rs555534209, gnomAD 0.07%), and has an allele count higher than expected for a pathogenic variant. This variant has not been reported in the literature in individuals affected with CCT5-related conditions. ClinVar contains an entry for this variant (Variation ID: 1403452). Variants that disrupt the consensus splice site are a relatively common cause of aberrant splicing (PMID: 17576681, 9536098). Algorithms developed to predict the effect of sequence changes on RNA splicing suggest that this variant is not likely to affect RNA splicing. In summary, the available evidence is currently insufficient to determine the role of this variant in disease. Therefore, it has been classified as a Variant of Uncertain Significance.

Literature cited by the submitters: PubMed 17576681 (cited by Labcorp Genetics (formerly Invitae), Labcorp); PubMed 9536098 (cited by Labcorp Genetics (formerly Invitae), Labcorp).

NM_012073.5(CCT5):c.531-3C>T

Gene: CCT5 (chaperonin containing TCP1 subunit 5; plus strand). Cytogenetic location: 5p15.2.
Variant type: single nucleotide variant.
Coding change: c.531-3C>T on transcript NM_012073.5 (MANE Select); 3 bases into the intron before coding-DNA position 531, C replaced by T.
Molecular consequence: intron variant.
Genome position (GRCh38, 1-based): chr5:10,258,108, C>T. VCF-style: chr5-10258108-C-T. GRCh37 (hg19) VCF-style: chr5-10258220-C-T.
Other names: c.468-3C>T (NM_001306153.1); c.366-3C>T (NM_001306154.2); c.417-3C>T (NM_001306156.2); c.252-3C>T (NM_001306155.2).
Identifiers: ClinVar variation 1403452 (VCV001403452.7), dbSNP rs555534209, ClinGen allele CA3198125.